The following is an entry in ClinVar:

ClinVar aggregate classification (germline): Benign/Likely benign. Review status: criteria provided, multiple submitters, no conflicts (2 of 4 stars). 6 submissions from 6 submitters: Benign (1); Likely benign (3). 2 of the submissions do not count toward it. Last evaluated 2026-06-30.

Conditions:
Neuropathy, hereditary sensory and autonomic, type 2A (HSAN2A). Also called: HSAN IIA; WNK1-Related HSAN2 (HSAN2A); ACROOSTEOLYSIS, GIACCAI TYPE; ACROOSTEOLYSIS, NEUROGENIC; MORVAN DISEASE; NEUROPATHY, CONGENITAL SENSORY. Identifiers: Orphanet 970, MedGen C2752089, MONDO:0024309, OMIM 201300.
Generalized epilepsy with febrile seizures plus, type 7 (GEFSP7). Also called: GEFS+, TYPE 7. Identifiers: Orphanet 36387, MedGen C2751778, MONDO:0013470, OMIM 613863.

Allele frequency attached by ClinVar (database versions not stated): 1000 Genomes Project 30x 0.00016; gnomAD 0.00018 and 0.00019; TOPMed 0.00019; 1000 Genomes Project 0.00020; gnomAD exomes 0.00021 and 0.00040; ESP Exome Variant Server 0.00025; ExAC 0.00033.
gnomAD v4.1: 576 of 1,546,408 alleles (0.037%); highest among the groups gnomAD compares: Non-Finnish European, 0.048%; 1 homozygote.

Submissions (6):

Women's Health and Genetics/Laboratory Corporation of America, LabCorp
Classification: Likely benign. Last evaluated: 2026-06-30. Review status: criteria provided, single submitter. Criteria: LabCorp Variant Classification Summary - May 2015. Collection method: clinical testing. Allele origin: germline.

Labcorp Genetics (formerly Invitae), Labcorp
Classification: Likely benign for Neuropathy, hereditary sensory and autonomic, type 2A; Generalized epilepsy with febrile seizures plus, type 7. Last evaluated: 2025-10-15. Review status: criteria provided, single submitter. Criteria: Invitae Variant Classification Sherloc (09022015). Collection method: clinical testing. Allele origin: germline.

Blueprint Genetics
Classification: Likely benign. Last evaluated: 2024-10-21. Review status: criteria provided, single submitter. Criteria: ACMG Guidelines, 2015. Collection method: clinical testing. Allele origin: germline.

GeneDx
Classification: Benign. Last evaluated: 2015-07-23. Review status: criteria provided, single submitter. Criteria: GeneDx Variant Classification (06012015). Collection method: clinical testing. Allele origin: germline. Affected: yes.
Comment: This variant is considered likely benign or benign based on one or more of the following criteria: it is a conservative change, it occurs at a poorly conserved position in the protein, it is predicted to be benign by multiple in silico algorithms, and/or has population frequency not consistent with disease.

Genome Diagnostics Laboratory, University Medical Center Utrecht
Classification: Likely benign. Review status: no assertion criteria provided. Collection method: clinical testing. Allele origin: germline. Affected: yes. Study: VKGL Data-share Consensus. Not counted in ClinVar's aggregate classification.

Joint Genome Diagnostic Labs from Nijmegen and Maastricht, Radboudumc and MUMC+
Classification: Likely benign. Review status: no assertion criteria provided. Collection method: clinical testing. Allele origin: germline. Affected: yes. Study: VKGL Data-share Consensus. Not counted in ClinVar's aggregate classification.

NM_001365536.1(SCN9A):c.2344-20A>T

Genes: SCN1A-AS1 (SCN1A and SCN9A antisense RNA 1; plus strand), SCN9A (sodium voltage-gated channel alpha subunit 9; minus strand). Cytogenetic location: 2q24.3.
Variant type: single nucleotide variant.
Coding change: c.2344-20A>T on transcript NM_001365536.1 (MANE Select); 20 bases into the intron before coding-DNA position 2344, A replaced by T.
Molecular consequence: intron variant.
Genome position (GRCh38, 1-based): chr2:166,278,333, T>A on the plus strand (A>T on the coding strand, the complement: SCN9A is on the minus strand). VCF-style: chr2-166278333-T-A. GRCh37 (hg19) VCF-style: chr2-167134843-T-A.
Other names: c.2311-20A>T (NM_002977.4).
Identifiers: ClinVar variation 378565 (VCV000378565.14), dbSNP rs199905079, ClinGen allele CA1944287.